The following is an entry in ClinVar:

ClinVar aggregate classification (germline): Uncertain significance (1 of 4 stars; one submission).

Submission:

Labcorp Genetics (formerly Invitae), Labcorp
Classification: Uncertain significance. Last evaluated: 2023-02-05. Review status: criteria provided, single submitter. Criteria: Invitae Variant Classification Sherloc (09022015). Collection method: clinical testing. Allele origin: germline.
Comment: This variant is not present in population databases (gnomAD no frequency). In summary, the available evidence is currently insufficient to determine the role of this variant in disease. Therefore, it has been classified as a Variant of Uncertain Significance. This variant disrupts the p.Asn247 amino acid residue in KERA. Other variant(s) that disrupt this residue have been determined to be pathogenic (PMID: 10802664, 17679937, 28677912). This suggests that this residue is clinically significant, and that variants that disrupt this residue are likely to be disease-causing. Algorithms developed to predict the effect of missense changes on protein structure and function are either unavailable or do not agree on the potential impact of this missense change (SIFT: "Deleterious"; PolyPhen-2: "Probably Damaging"; Align-GVGD: "Class C15"). This variant has not been reported in the literature in individuals affected with KERA-related conditions. This sequence change replaces asparagine, which is neutral and polar, with aspartic acid, which is acidic and polar, at codon 247 of the KERA protein (p.Asn247Asp).

Literature cited by the submitters: PubMed 10802664; PubMed 17679937; PubMed 28677912.

NM_007035.4(KERA):c.739A>G (p.Asn247Asp)

Gene: KERA (keratocan; minus strand). Cytogenetic location: 12q21.33.
Variant type: single nucleotide variant.
Coding change: c.739A>G on transcript NM_007035.4 (MANE Select); coding-DNA position 739, A replaced by G.
Protein change: p.Asn247Asp; replaces asparagine 247 with aspartic acid.
Molecular consequence: missense variant.
Genome position (GRCh38, 1-based): chr12:91,055,543, T>C on the plus strand (A>G on the coding strand, the complement: KERA is on the minus strand). VCF-style: chr12-91055543-T-C. GRCh37 (hg19) VCF-style: chr12-91449320-T-C.
Other names: short protein forms N247D.
Identifiers: ClinVar variation 2999315 (VCV002999315.3), dbSNP rs2499552814, ClinGen allele CA386013445.